The following is an entry in ClinVar:

ClinVar aggregate classification (germline): Uncertain significance. Review status: criteria provided, multiple submitters, no conflicts (2 of 4 stars). 2 submissions from 2 submitters: Uncertain significance (2). Last evaluated 2025-07-02.

Conditions:
Charcot-Marie-Tooth disease type 2. Also called: Charcot-Marie-Tooth type 2. Identifiers: Orphanet 64746, MedGen C0270914, MONDO:0018993.

Allele frequency attached by ClinVar (database versions not stated): gnomAD 0.00001; TOPMed below 0.00001; gnomAD exomes below 0.00001.
gnomAD v4.1: 9 of 1,613,938 alleles (0.00056%); highest among the groups gnomAD compares: African/African-American, 0.0013%; no homozygotes.

Submissions (2):

Labcorp Genetics (formerly Invitae), Labcorp
Classification: Uncertain significance for Charcot-Marie-Tooth disease type 2. Last evaluated: 2025-07-02. Review status: criteria provided, single submitter. Criteria: Invitae Variant Classification Sherloc (09022015). Collection method: clinical testing. Allele origin: germline.
Comment: This sequence change replaces asparagine, which is neutral and polar, with serine, which is neutral and polar, at codon 1598 of the KIF1B protein (p.Asn1598Ser). This variant is present in population databases (no rsID available, gnomAD 0.3%). This variant has not been reported in the literature in individuals affected with KIF1B-related conditions. ClinVar contains an entry for this variant (Variation ID: 1743117). An algorithm developed to predict the effect of missense changes on protein structure and function outputs the following: PolyPhen-2: "Benign". The serine amino acid residue is found in multiple mammalian species, which suggests that this missense change does not adversely affect protein function. In summary, the available evidence is currently insufficient to determine the role of this variant in disease. Therefore, it has been classified as a Variant of Uncertain Significance.

Ambry Genetics
Classification: Uncertain significance. Last evaluated: 2023-07-19. Review status: criteria provided, single submitter. Criteria: Ambry Variant Classification Scheme 2023. Collection method: clinical testing. Allele origin: germline.
Comment: The p.N1598S variant (also known as c.4793A>G), located in coding exon 42 of the KIF1B gene, results from an A to G substitution at nucleotide position 4793. The asparagine at codon 1598 is replaced by serine, an amino acid with highly similar properties. This amino acid position is not well conserved in available vertebrate species. In addition, this alteration is predicted to be tolerated by in silico analysis. The evidence for this gene-disease relationship is limited; therefore, the clinical significance of this alteration is unclear.

NM_001365951.3(KIF1B):c.4931A>G (p.Asn1644Ser)

Gene: KIF1B (kinesin family member 1B; plus strand). Cytogenetic location: 1p36.22.
Variant type: single nucleotide variant.
Coding change: c.4931A>G on transcript NM_001365951.3 (MANE Select); coding-DNA position 4931, A replaced by G.
Protein change: p.Asn1644Ser; replaces asparagine 1644 with serine.
Molecular consequence: missense variant.
Genome position (GRCh38, 1-based): chr1:10,371,247, A>G. VCF-style: chr1-10371247-A-G. GRCh37 (hg19) VCF-style: chr1-10431305-A-G.
Other names: c.4931A>G, p.Asn1644Ser (NM_001365952.1); c.4793A>G, p.Asn1598Ser (NM_015074.3); short protein forms N1598S, N1644S.
Identifiers: ClinVar variation 1743117 (VCV001743117.8), dbSNP rs1228367459, ClinGen allele CA338327909.
Genomic context (GRCh38, chr1:10,371,247, plus strand): 5'-TCAGCAGTGCCACCCTCACTCCCTCCTCCACCTGTCCCTCTCTGGTAGACTCTAGGAGCA[A>G]CTCTCTGGATCAGAAGTAAGTACCCAGATTTCACTGAGAGAAGTCAATCTAAGAACCAAG-3'
Protein context (NP_001352880.1, residues 1634-1654): TCPSLVDSRS[Asn1644Ser]SLDQKTPEAN